The following is an entry in ClinVar:

ClinVar aggregate classification (germline): Uncertain significance (1 of 4 stars; one submission).

Conditions:
Pityriasis rubra pilaris (PRP). Also called: Pityriasis rubra pilaris--familial type. Identifiers: Orphanet 2897, MedGen C0032027, MONDO:0100017, OMIM 173200, MONDO:0008251.
Psoriasis 2. Identifiers: MedGen C1864497, MONDO:0011269, OMIM 602723.

Submission:

Labcorp Genetics (formerly Invitae), Labcorp
Classification: Uncertain significance for Pityriasis rubra pilaris; Psoriasis 2. Last evaluated: 2024-09-21. Review status: criteria provided, single submitter. Criteria: Invitae Variant Classification Sherloc (09022015). Collection method: clinical testing. Allele origin: germline.
Comment: This sequence change replaces glutamic acid, which is acidic and polar, with aspartic acid, which is acidic and polar, at codon 929 of the CARD14 protein (p.Glu929Asp). This variant is present in population databases (rs746552489, gnomAD 0.0009%). This variant has not been reported in the literature in individuals affected with CARD14-related conditions. Invitae Evidence Modeling of protein sequence and biophysical properties (such as structural, functional, and spatial information, amino acid conservation, physicochemical variation, residue mobility, and thermodynamic stability) indicates that this missense variant is not expected to disrupt CARD14 protein function with a negative predictive value of 80%. In summary, the available evidence is currently insufficient to determine the role of this variant in disease. Therefore, it has been classified as a Variant of Uncertain Significance.

NM_001366385.1(CARD14):c.2787G>C (p.Glu929Asp)

Genes: SGSH (N-sulfoglucosamine sulfohydrolase; minus strand), CARD14 (caspase recruitment domain family member 14; plus strand). Cytogenetic location: 17q25.3.
Variant type: single nucleotide variant.
Coding change: c.2787G>C on transcript NM_001366385.1 (MANE Select); coding-DNA position 2787, G replaced by C.
Protein change: p.Glu929Asp; replaces glutamic acid 929 with aspartic acid.
Molecular consequence: missense variant. On other transcripts: non-coding transcript variant (1).
Genome position (GRCh38, 1-based): chr17:80,207,065, G>C. VCF-style: chr17-80207065-G-C. GRCh37 (hg19) VCF-style: chr17-78180864-G-C.
Other names: c.2787G>C, p.Glu929Asp (NM_024110.4); short protein forms E929D.
Identifiers: ClinVar variation 3748923 (VCV003748923.2).
Genomic context (GRCh38, chr17:80,207,065, plus strand): 5'-TGTCTGCACCCTGCACAGGATGGACATCTTCCCCATCGTCATCCACGTCTCTGTCAACGA[G>C]AAGATGGCAAAGAAGCTCAAGTAGGTGCACGCTGGGGGCTGGGCAGGGGCTTCGAAGCGG-3'
Protein context (NP_001353314.1, residues 919-939): FPIVIHVSVN[Glu929Asp]KMAKKLKKGL